The following is an entry in ClinVar:

NM_181507.2(HPS5):c.2992AGA[2] (p.Arg1000del)

Gene: HPS5 (HPS5 biogenesis of lysosomal organelles complex 2 subunit 2; minus strand). Cytogenetic location: 11p15.1.
Variant type: Microsatellite.
Coding change: c.2992AGA[2] on transcript NM_181507.2 (MANE Select); two copies in a row of the 3-base unit AGA starting at c.2992; the reference has three copies in a row; one copy, 3 bases deleted.
Protein change: p.Arg1000del; deletes arginine 1000.
Molecular consequence: inframe deletion. On other transcripts: frameshift variant (1).
Genome position (GRCh38, 1-based): chr11:18,283,853-18,283,855, TCT deleted on the plus strand (AGA on the coding strand, the reverse complement: HPS5 is on the minus strand); deleting any 3 consecutive bases within chr11:18,283,853-18,283,861 gives the same sequence; the position shown is the placement nearest the transcript's 3' end. VCF-style (leftmost placement, unchanged base first): chr11-18283852-CTCT-C. GRCh37 (hg19) VCF-style: chr11-18305399-CTCT-C.
Other names: c.2650AGA[2], p.Arg886del (NM_007216.4); c.2648_2650AGA[2], p.Arg884Lysfs (NM_181508.2); short protein forms R1000del, R886del.
Identifiers: ClinVar variation 1462807 (VCV001462807.5), dbSNP rs778863070, ClinGen allele CA5909679.
Genomic context (GRCh38, chr11:18,283,852, plus strand): 5'-TACCATTGTCCCCTTCCATCAGGCTCATATCATTCAGATACACAATATTGGTGAAGGCCT[CTCT>C]TCTTCTCTCCAGCTCCAAACAGAGAATTAGATATCCAGGCCAGAAACTTTAAAGAGACCG-3'

ClinVar aggregate classification (germline): Uncertain significance (1 of 4 stars; one submission).

Submission:

Labcorp Genetics (formerly Invitae), Labcorp
Classification: Uncertain significance. Last evaluated: 2022-08-09. Review status: criteria provided, single submitter. Criteria: Invitae Variant Classification Sherloc (09022015). Collection method: clinical testing. Allele origin: germline.
Comment: This variant, c.2998_3000del, results in the deletion of 1 amino acid(s) of the HPS5 protein (p.Arg1000del), but otherwise preserves the integrity of the reading frame. This variant is present in population databases (rs778863070, gnomAD 0.008%). This variant has not been reported in the literature in individuals affected with HPS5-related conditions. Experimental studies and prediction algorithms are not available or were not evaluated, and the functional significance of this variant is currently unknown. In summary, the available evidence is currently insufficient to determine the role of this variant in disease. Therefore, it has been classified as a Variant of Uncertain Significance.